The following is an entry in ClinVar:

NM_000059.4(BRCA2):c.9257-49T>C

Gene: BRCA2 (BRCA2 DNA repair associated; plus strand). Cytogenetic location: 13q13.1.
Variant type: single nucleotide variant.
Coding change: c.9257-49T>C on transcript NM_000059.4 (MANE Select); 49 bases into the intron before coding-DNA position 9257, T replaced by C.
Molecular consequence: intron variant.
Genome position (GRCh38, 1-based): chr13:32,394,640, T>C. VCF-style: chr13-32394640-T-C. GRCh37 (hg19) VCF-style: chr13-32968777-T-C.
Identifiers: ClinVar variation 433839 (VCV000433839.43), dbSNP rs117850955, ClinGen allele CA6941366.

ClinVar aggregate classification (germline): Benign/Likely benign. Review status: criteria provided, multiple submitters, no conflicts (2 of 4 stars). 7 submissions from 7 submitters: Benign (3); Likely benign (3). 1 of the submissions does not count toward it. Last evaluated 2026-07-01.

Conditions:
Hereditary breast ovarian cancer syndrome. Also called: Breast and ovarian cancer; Hereditary breast and ovarian cancer syndrome; Hereditary breast and ovarian cancer; Hereditary breast and ovarian cancer syndrome (HBOC); Hereditary breast and/or ovarian cancer syndrome; BRCA1- and BRCA2-Associated Hereditary Breast and Ovarian Cancer. Identifiers: Orphanet 145, MedGen C0677776, MeSH D061325, MONDO:0003582. Disease mechanism: loss of function.
Breast-ovarian cancer, familial, susceptibility to, 2 (BROVCA2). Also called: BRCA2 Hereditary Breast and Ovarian Cancer. Identifiers: Orphanet 145, MedGen C2675520, MONDO:0012933, OMIM 612555. Disease mechanism: loss of function.
Familial cancer of breast. Also called: BREAST CANCER, FAMILIAL; hereditary breast carcinoma; Hereditary breast cancer. Identifiers: Orphanet 227535, MedGen C0346153, MONDO:0016419, OMIM 114480. Disease mechanism: loss of function.

Allele frequency attached by ClinVar (database versions not stated): gnomAD exomes 0.00050 and 0.00138; 1000 Genomes Project 30x 0.00094; ExAC 0.00109; gnomAD 0.00119 and 0.00120; TOPMed 0.00012; ESP Exome Variant Server 0.00023; 1000 Genomes Project 0.00120.
gnomAD v4.1: 893 of 1,582,442 alleles (0.056%); highest among the groups gnomAD compares: East Asian, 0.12%; 7 homozygotes.

Submissions (7):

CeGaT Center for Human Genetics Tuebingen
Classification: Benign. Last evaluated: 2026-07-01. Review status: criteria provided, single submitter. Criteria: CeGaT Center For Human Genetics Tuebingen Variant Classification Criteria Version 2. Collection method: clinical testing. Allele origin: germline. Affected: yes. Observed: 3 variant alleles.
Comment: BRCA2: BS1, BS2

Center for Genomic Medicine, Rigshospitalet, Copenhagen University Hospital
Classification: Likely benign. Last evaluated: 2025-03-04. Review status: criteria provided, single submitter. Criteria: ACMG Guidelines, 2015. Collection method: clinical testing. Allele origin: germline.

KCCC/NGS Laboratory, Kuwait Cancer Control Center
Classification: Benign for Familial cancer of breast. Last evaluated: 2025-02-01. Review status: criteria provided, single submitter. Criteria: ACMG Guidelines, 2015. Collection method: clinical testing. Allele origin: germline. Affected: no.

Labcorp Genetics (formerly Invitae), Labcorp
Classification: Benign for Hereditary breast ovarian cancer syndrome. Last evaluated: 2022-10-20. Review status: criteria provided, single submitter. Criteria: Invitae Variant Classification Sherloc (09022015). Collection method: clinical testing. Allele origin: germline.

GeneDx
Classification: Likely benign. Last evaluated: 2019-04-08. Review status: criteria provided, single submitter. Criteria: GeneDx Variant Classification Process June 2021. Collection method: clinical testing. Allele origin: germline. Affected: yes.

Department of Pathology and Laboratory Medicine, Sinai Health System
Classification: Likely benign. Last evaluated: 2017-10-25. Review status: criteria provided, single submitter. Criteria: ACMG Guidelines, 2015. Collection method: clinical testing. Allele origin: germline. Affected: yes. Study: Canadian Open Genetics Repository (COGR).

BRCAlab, Lund University
Classification: Likely benign for Breast-ovarian cancer, familial, susceptibility to, 2. Last evaluated: 2024-01-17. Review status: no assertion criteria provided. Collection method: clinical testing. Allele origin: germline. Affected: yes. Not counted in ClinVar's aggregate classification.